The following is an entry in ClinVar:

ClinVar aggregate classification (germline): Uncertain significance (1 of 4 stars; one submission).

Allele frequency attached by ClinVar (database versions not stated): TOPMed below 0.00001.

Submission:

Labcorp Genetics (formerly Invitae), Labcorp
Classification: Uncertain significance. Last evaluated: 2023-07-17. Review status: criteria provided, single submitter. Criteria: Invitae Variant Classification Sherloc (09022015). Collection method: clinical testing. Allele origin: germline.
Comment: In summary, the available evidence is currently insufficient to determine the role of this variant in disease. Therefore, it has been classified as a Variant of Uncertain Significance. Algorithms developed to predict the effect of missense changes on protein structure and function output the following: SIFT: "Not Available"; PolyPhen-2: "Benign"; Align-GVGD: "Not Available". The leucine amino acid residue is found in multiple mammalian species, which suggests that this missense change does not adversely affect protein function. ClinVar contains an entry for this variant (Variation ID: 1483487). This variant has not been reported in the literature in individuals affected with IL6ST-related conditions. This variant is not present in population databases (gnomAD no frequency). This sequence change replaces phenylalanine, which is neutral and non-polar, with leucine, which is neutral and non-polar, at codon 639 of the IL6ST protein (p.Phe639Leu).

NM_002184.4(IL6ST):c.1917C>A (p.Phe639Leu)

Gene: IL6ST (interleukin 6 cytokine family signal transducer; minus strand). Cytogenetic location: 5q11.2.
Variant type: single nucleotide variant.
Coding change: c.1917C>A on transcript NM_002184.4 (MANE Select); coding-DNA position 1917, C replaced by A.
Protein change: p.Phe639Leu; replaces phenylalanine 639 with leucine.
Molecular consequence: missense variant. On other transcripts: 3 prime UTR variant (1), non-coding transcript variant (2).
Genome position (GRCh38, 1-based): chr5:55,947,513, G>T on the plus strand (C>A on the coding strand, the complement: IL6ST is on the minus strand). VCF-style: chr5-55947513-G-T. GRCh37 (hg19) VCF-style: chr5-55243341-G-T.
Other names: c.1734C>A, p.Phe578Leu (NM_001190981.2); c.1815C>A, p.Phe605Leu (NM_001364275.2); c.1707C>A, p.Phe569Leu (NM_001364276.2); c.1050C>A, p.Phe350Leu (NM_001364277.2); c.1014C>A, p.Phe338Leu (NM_001364278.2); c.921C>A, p.Phe307Leu (NM_001364279.2); c.*844C>A (NM_175767.3); short protein forms F307L, F338L, F578L, F639L, F350L, F569L, F605L.
Identifiers: ClinVar variation 1483487 (VCV001483487.6), dbSNP rs753225069, ClinGen allele CA359782302.